The following is an entry in ClinVar:

ClinVar aggregate classification (germline): Uncertain significance (1 of 4 stars; one submission).

Conditions:
Norman-Roberts syndrome (LIS2). Also called: Lissencephaly 2 (Norman-Roberts type). Identifiers: Orphanet 89844, MedGen C0796089, MONDO:0009760, OMIM 257320.
Familial temporal lobe epilepsy 7. Identifiers: Orphanet 101046, MedGen C4225327, MONDO:0014639, OMIM 616436.

Allele frequency attached by ClinVar (database versions not stated): ExAC 0.00001; gnomAD exomes 0.00001.
gnomAD v4.1: 6 of 1,614,084 alleles (0.00037%); highest among the groups gnomAD compares: Non-Finnish European, 0.00051%; no homozygotes.

Submission:

Labcorp Genetics (formerly Invitae), Labcorp
Classification: Uncertain significance for Familial temporal lobe epilepsy 7; Norman-Roberts syndrome. Last evaluated: 2023-01-28. Review status: criteria provided, single submitter. Criteria: Invitae Variant Classification Sherloc (09022015). Collection method: clinical testing. Allele origin: germline.
Comment: In summary, the available evidence is currently insufficient to determine the role of this variant in disease. Therefore, it has been classified as a Variant of Uncertain Significance. Advanced modeling of protein sequence and biophysical properties (such as structural, functional, and spatial information, amino acid conservation, physicochemical variation, residue mobility, and thermodynamic stability) performed at Invitae indicates that this missense variant is not expected to disrupt RELN protein function. This sequence change replaces leucine, which is neutral and non-polar, with phenylalanine, which is neutral and non-polar, at codon 1549 of the RELN protein (p.Leu1549Phe). This variant is present in population databases (rs769890427, gnomAD 0.003%). This variant has not been reported in the literature in individuals affected with RELN-related conditions. ClinVar contains an entry for this variant (Variation ID: 999590).

NM_005045.4(RELN):c.4647G>C (p.Leu1549Phe)

Gene: RELN (reelin; minus strand). Cytogenetic location: 7q22.1.
Variant type: single nucleotide variant.
Coding change: c.4647G>C on transcript NM_005045.4 (MANE Select); coding-DNA position 4647, G replaced by C.
Protein change: p.Leu1549Phe; replaces leucine 1549 with phenylalanine.
Molecular consequence: missense variant.
Genome position (GRCh38, 1-based): chr7:103,566,701, C>G on the plus strand (G>C on the coding strand, the complement: RELN is on the minus strand). VCF-style: chr7-103566701-C-G. GRCh37 (hg19) VCF-style: chr7-103207148-C-G.
Other names: c.4647G>C, p.Leu1549Phe (NM_173054.3); short protein forms L1549F.
Identifiers: ClinVar variation 999590 (VCV000999590.6), dbSNP rs769890427, ClinGen allele CA4421447.
Genomic context (GRCh38, chr7:103,566,701, plus strand): 5'-CTTCGCGTCCTGTGGCAGGTCAATGGAAATGATCTGTGGTTCCAGGAAGGACATGAAGTC[C>G]AACTCTCGAAGCAAATGCCAGAGTATCCCATTGTCATTTGAATACTGAACAATAAGCCCT-3'
Protein context (NP_005036.2, residues 1539-1559): NGILWHLLRE[Leu1549Phe]DFMSFLEPQI